The following is an entry in ClinVar:

NM_032520.5(GNPTG):c.568C>T (p.Gln190Ter)

Gene: GNPTG (N-acetylglucosamine-1-phosphate transferase subunit gamma; plus strand). Cytogenetic location: 16p13.3.
Variant type: single nucleotide variant.
Coding change: c.568C>T on transcript NM_032520.5 (MANE Select); coding-DNA position 568, C replaced by T.
Protein change: p.Gln190Ter; replaces glutamine 190 with a stop codon.
Molecular consequence: nonsense.
Genome position (GRCh38, 1-based): chr16:1,362,493, C>T. VCF-style: chr16-1362493-C-T. GRCh37 (hg19) VCF-style: chr16-1412494-C-T.
Other names: short protein forms Q190*.
Identifiers: ClinVar variation 2976818 (VCV002976818.4), dbSNP rs756679779, ClinGen allele CA7807807.

ClinVar aggregate classification (germline): Pathogenic. Review status: criteria provided, multiple submitters, no conflicts (2 of 4 stars). 2 submissions from 2 submitters: Pathogenic (2). Last evaluated 2025-08-21.

Conditions:
GNPTG-mucolipidosis. Also called: MUCOLIPIDOSIS III, COMPLEMENTATION GROUP C; MUCOLIPIDOSIS III, IRANIAN VARIANT FORM; MUCOLIPIDOSIS III, VARIANT FORM; ML III GAMMA; ML IIIC; Mucolipidosis type III gamma. Identifiers: Orphanet 423470, Orphanet 577, MedGen C1854896, MONDO:0009652, OMIM 252605.

Allele frequency attached by ClinVar (database versions not stated): ExAC 0.00001.

Submissions (2):

Myriad Genetics, Inc.
Classification: Pathogenic for GNPTG-mucolipidosis. Last evaluated: 2025-08-21. Review status: criteria provided, single submitter. Criteria: Myriad Autosomal Dominant, Autosomal Recessive and X-Linked Classification Criteria (2023). Collection method: clinical testing. Allele origin: unknown.
Comment: NM_032520.4(GNPTG):c.568C>T(Q190*) is a nonsense variant classified as pathogenic in the context of mucolipidosis III gamma. Q190* has not been observed in cases with relevant disease. Relevant functional assessments of this variant are not available in the literature. Q190* has been observed in referenced population frequency databases. In summary, NM_032520.4(GNPTG):c.568C>T(Q190*) is a nonsense variant in a gene where loss of function is a known mechanism of disease and is predicted to disrupt protein function. Please note: this variant was assessed in the context of healthy population screening.

Labcorp Genetics (formerly Invitae), Labcorp
Classification: Pathogenic. Last evaluated: 2023-06-16. Review status: criteria provided, single submitter. Criteria: Invitae Variant Classification Sherloc (09022015). Collection method: clinical testing. Allele origin: germline.
Comment: This sequence change creates a premature translational stop signal (p.Gln190*) in the GNPTG gene. It is expected to result in an absent or disrupted protein product. Loss-of-function variants in GNPTG are known to be pathogenic (PMID: 19370764, 20301784). The frequency data for this variant in the population databases is considered unreliable, as metrics indicate poor data quality at this position in the gnomAD database. This variant has not been reported in the literature in individuals affected with GNPTG-related conditions. For these reasons, this variant has been classified as Pathogenic.

Literature cited by the submitters: PubMed 19370764 (cited by Labcorp Genetics (formerly Invitae), Labcorp); PubMed 20301784 (cited by Labcorp Genetics (formerly Invitae), Labcorp).